The following is an entry in ClinVar:

ClinVar aggregate classification (germline): Uncertain significance. Review status: criteria provided, multiple submitters, no conflicts (2 of 4 stars). 2 submissions from 2 submitters: Uncertain significance (2). Last evaluated 2025-11-05.

Conditions:
Hereditary cancer-predisposing syndrome. Also called: Hereditary Cancer Syndrome; Tumor predisposition; Neoplastic Syndromes, Hereditary; Hereditary neoplastic syndrome. Identifiers: Orphanet 140162, MedGen C0027672, MeSH D009386, MONDO:0015356.
Haddad syndrome (OHD). Also called: Ondine-Hirschsprung disease. Identifiers: Orphanet 99803, MedGen C1859049, MONDO:0020493.

gnomAD v4.1: 1 of 1,609,848 alleles (0.000062%); highest among the groups gnomAD compares: South Asian, 0.0011%; no homozygotes.

Submissions (2):

Ambry Genetics
Classification: Uncertain significance for Hereditary cancer-predisposing syndrome. Last evaluated: 2025-11-05. Review status: criteria provided, single submitter. Criteria: Ambry Variant Classification Scheme 2023. Collection method: clinical testing. Allele origin: germline.
Comment: The p.N302K variant (also known as c.906C>A), located in coding exon 3 of the PHOX2B gene, results from a C to A substitution at nucleotide position 906. The asparagine at codon 302 is replaced by lysine, an amino acid with similar properties. This amino acid position is conserved. In addition, this alteration is predicted to be tolerated by in silico analysis. Based on the available evidence, the clinical significance of this variant remains unclear.

Labcorp Genetics (formerly Invitae), Labcorp
Classification: Uncertain significance for Haddad syndrome. Last evaluated: 2024-02-24. Review status: criteria provided, single submitter. Criteria: Invitae Variant Classification Sherloc (09022015). Collection method: clinical testing. Allele origin: germline.
Comment: This sequence change replaces asparagine, which is neutral and polar, with lysine, which is basic and polar, at codon 302 of the PHOX2B protein (p.Asn302Lys). This variant is not present in population databases (gnomAD no frequency). This variant has not been reported in the literature in individuals affected with PHOX2B-related conditions. ClinVar contains an entry for this variant (Variation ID: 1014797). Experimental studies and prediction algorithms are not available or were not evaluated, and the functional significance of this variant is currently unknown. In summary, the available evidence is currently insufficient to determine the role of this variant in disease. Therefore, it has been classified as a Variant of Uncertain Significance.

NM_003924.4(PHOX2B):c.906C>A (p.Asn302Lys)

Gene: PHOX2B (paired like homeobox 2B; minus strand). Cytogenetic location: 4p13.
Variant type: single nucleotide variant.
Coding change: c.906C>A on transcript NM_003924.4 (MANE Select); coding-DNA position 906, C replaced by A.
Protein change: p.Asn302Lys; replaces asparagine 302 with lysine.
Molecular consequence: missense variant.
Genome position (GRCh38, 1-based): chr4:41,745,846, G>T on the plus strand (C>A on the coding strand, the complement: PHOX2B is on the minus strand). VCF-style: chr4-41745846-G-T. GRCh37 (hg19) VCF-style: chr4-41747863-G-T.
Other names: c.906C>A (NM_003924.3); short protein forms N302K.
Identifiers: ClinVar variation 1014797 (VCV001014797.10), dbSNP rs1368103166, ClinGen allele CA356736771.